The following is an entry in ClinVar:

NM_032043.3(BRIP1):c.227T>G (p.Val76Gly)

Gene: BRIP1 (BRCA1 interacting DNA helicase 1; minus strand). Cytogenetic location: 17q23.2.
Variant type: single nucleotide variant.
Coding change: c.227T>G on transcript NM_032043.3 (MANE Select); coding-DNA position 227, T replaced by G.
Protein change: p.Val76Gly; replaces valine 76 with glycine.
Molecular consequence: missense variant.
Genome position (GRCh38, 1-based): chr17:61,857,210, A>C on the plus strand (T>G on the coding strand, the complement: BRIP1 is on the minus strand). VCF-style: chr17-61857210-A-C. GRCh37 (hg19) VCF-style: chr17-59934571-A-C.
Other names: short protein forms V76G.
Identifiers: ClinVar variation 4216252 (VCV004216252.1).

ClinVar aggregate classification (germline): Uncertain significance (1 of 4 stars; one submission).

Conditions:
Hereditary cancer-predisposing syndrome. Also called: Hereditary Cancer Syndrome; Hereditary neoplastic syndrome; Neoplastic Syndromes, Hereditary; Tumor predisposition. Identifiers: Orphanet 140162, MedGen C0027672, MeSH D009386, MONDO:0015356.

Submission:

Ambry Genetics
Classification: Uncertain significance for Hereditary cancer-predisposing syndrome. Last evaluated: 2025-07-07. Review status: criteria provided, single submitter. Criteria: Ambry Variant Classification Scheme 2023. Collection method: clinical testing. Allele origin: germline.
Comment: The p.V76G variant (also known as c.227T>G), located in coding exon 3 of the BRIP1 gene, results from a T to G substitution at nucleotide position 227. The valine at codon 76 is replaced by glycine, an amino acid with dissimilar properties. This amino acid position is conserved. In addition, this alteration is predicted to be tolerated by in silico analysis. Based on the available evidence, the clinical significance of this variant remains unclear.